The following is an entry in ClinVar:

NM_177438.3(DICER1):c.4050+8A>G

Gene: DICER1 (dicer 1, ribonuclease III; minus strand). Cytogenetic location: 14q32.13.
Variant type: single nucleotide variant.
Coding change: c.4050+8A>G on transcript NM_177438.3 (MANE Select); 8 bases into the intron after coding-DNA position 4050, A replaced by G.
Molecular consequence: intron variant.
Genome position (GRCh38, 1-based): chr14:95,103,338, T>C on the plus strand (A>G on the coding strand, the complement: DICER1 is on the minus strand). VCF-style: chr14-95103338-T-C. GRCh37 (hg19) VCF-style: chr14-95569675-T-C.
Other names: c.4050+8A>G (NM_001291628.2, NM_030621.4, NM_001271282.3 and 1 more transcripts).
Identifiers: ClinVar variation 417117 (VCV000417117.24), dbSNP rs746668314, ClinGen allele CA7330957.

ClinVar aggregate classification (germline): Conflicting classifications of pathogenicity. Review status: criteria provided, conflicting classifications (1 of 4 stars). 7 submissions from 7 submitters: Uncertain significance (1); Benign (1); Likely benign (5). Last evaluated 2026-07-01.

Conditions:
Hereditary cancer-predisposing syndrome. Also called: Hereditary neoplastic syndrome; Neoplastic Syndromes, Hereditary; Hereditary Cancer Syndrome; Tumor predisposition. Identifiers: Orphanet 140162, MedGen C0027672, MeSH D009386, MONDO:0015356.
DICER1-related tumor predisposition. Also called: DICER1 syndrome; DICER1-related pleuropulmonary blastoma cancer predisposition syndrome. Identifiers: Orphanet 284343, MedGen C3839822, MONDO:0100216.
DICER1-related disorder. Also called: DICER1-related condition.

Allele frequency attached by ClinVar (database versions not stated): gnomAD exomes 0.00004 and 0.00009; gnomAD 0.00007; ExAC 0.00009; TOPMed 0.00011.
gnomAD v4.1: 69 of 1,613,584 alleles (0.0043%); highest among the groups gnomAD compares: Admixed American, 0.032%; no homozygotes.

Submissions (8):

CeGaT Center for Human Genetics Tuebingen
Classification: Likely benign. Last evaluated: 2026-07-01. Review status: criteria provided, single submitter. Criteria: CeGaT Center For Human Genetics Tuebingen Variant Classification Criteria Version 2. Collection method: clinical testing. Allele origin: germline. Affected: yes. Observed: 1 variant allele.
Comment: DICER1: BP4

Myriad Genetics, Inc.
Classification: Likely benign for DICER1-related tumor predisposition. Last evaluated: 2026-04-13. Review status: criteria provided, single submitter. Criteria: Myriad Autosomal Dominant, Autosomal Recessive and X-Linked Classification Criteria (2023). Collection method: clinical testing. Allele origin: unknown.
Comment: This variant is considered likely benign. This variant is intronic and is not expected to impact mRNA splicing.

Labcorp Genetics (formerly Invitae), Labcorp
Classification: Benign for DICER1-related tumor predisposition. Last evaluated: 2026-01-11. Review status: criteria provided, single submitter. Criteria: Invitae Variant Classification Sherloc (09022015). Collection method: clinical testing. Allele origin: germline.

PreventionGenetics, part of Exact Sciences
Classification: Likely benign for DICER1-related condition. Last evaluated: 2025-07-09. Review status: criteria provided, single submitter. Criteria: ACMG Guidelines, 2015. Collection method: clinical testing. Allele origin: germline.
Comment: This variant is classified as likely benign based on ACMG/AMP sequence variant interpretation guidelines (Richards et al. 2015 PMID: 25741868, with internal and published modifications).

Center for Genomic Medicine, Rigshospitalet, Copenhagen University Hospital
Classification: Uncertain significance. Last evaluated: 2025-03-04. Review status: criteria provided, single submitter. Criteria: ACMG Guidelines, 2015. Collection method: clinical testing. Allele origin: germline.

Quest Diagnostics Nichols Institute San Juan Capistrano
Classification: Likely benign. Last evaluated: 2022-11-11. Review status: criteria provided, single submitter. Criteria: Quest Diagnostics criteria. Collection method: clinical testing. Allele origin: unknown.

Sema4
Classification: Likely benign for Hereditary cancer-predisposing syndrome. Last evaluated: 2020-05-10. Review status: criteria provided, single submitter. Criteria: Sema4 Curation Guidelines. Collection method: curation. Allele origin: germline.

Dr. Peter K. Rogan Lab, Western University
No classification provided (evidence only). Condition: Sarcoma. Review status: no classification provided. Collection method: in vitro. Allele origin: not applicable. Functional consequence: retained intron. Not counted in ClinVar's aggregate classification.